The following is an entry in ClinVar:

NM_001371727.1(GABRB2):c.720A>C (p.Arg240Ser)

Gene: GABRB2 (gamma-aminobutyric acid type A receptor subunit beta2; minus strand). Cytogenetic location: 5q34.
Variant type: single nucleotide variant.
Coding change: c.720A>C on transcript NM_001371727.1 (MANE Select); coding-DNA position 720, A replaced by C.
Protein change: p.Arg240Ser; replaces arginine 240 with serine.
Molecular consequence: missense variant.
Genome position (GRCh38, 1-based): chr5:161,334,864, T>G on the plus strand (A>C on the coding strand, the complement: GABRB2 is on the minus strand). VCF-style: chr5-161334864-T-G. GRCh37 (hg19) VCF-style: chr5-160761871-T-G.
Other names: c.720A>C, p.Arg240Ser (NM_000813.3, NM_021911.3); short protein forms R240S.
Identifiers: ClinVar variation 2573792 (VCV002573792.1), dbSNP rs756982726, ClinGen allele CA362171720.

ClinVar aggregate classification (germline): Uncertain significance (1 of 4 stars; one submission).

Submission:

GeneDx
Classification: Uncertain significance. Last evaluated: 2023-01-20. Review status: criteria provided, single submitter. Criteria: GeneDx Variant Classification Process June 2021. Collection method: clinical testing. Allele origin: germline. Affected: yes.
Comment: Not observed at significant frequency in large population cohorts (gnomAD); In silico analysis supports that this missense variant has a deleterious effect on protein structure/function; Has not been previously published as pathogenic or benign to our knowledge